The following is an entry in ClinVar:

ClinVar aggregate classification (germline): Uncertain significance (1 of 4 stars; one submission).

Conditions:
PLXNA3-related disorder. Also called: PLXNA3-related condition.

gnomAD v4.1: 7 of 1,212,289 alleles (0.00058%); highest among the groups gnomAD compares: Non-Finnish European, 0.00078%; no homozygotes.

Submission:

PreventionGenetics, part of Exact Sciences
Classification: Uncertain significance for PLXNA3-related condition. Last evaluated: 2025-02-12. Review status: criteria provided, single submitter. Criteria: ACMG Guidelines, 2015. Collection method: clinical testing. Allele origin: germline.
Comment: The PLXNA3 c.762C>T variant is not predicted to result in an amino acid change (p.=). Based on available splicing prediction programs (Alamut Visual v1.6.1; SpliceAI, Jaganathan et al. 2019. PubMed ID: 30661751), this variant is predicted to create a cryptic splice donor site; however, the use of computer prediction programs is not equivalent to functional evidence. To our knowledge, this variant has not been reported in the literature. This variant is reported in 0.0072% of alleles in individuals of East Asian descent in gnomAD. At this time, the clinical significance of this variant is uncertain due to the absence of conclusive functional and genetic evidence.

NM_017514.5(PLXNA3):c.762C>T (p.Gly254=)

Gene: PLXNA3 (plexin A3; plus strand). Cytogenetic location: Xq28.
Variant type: single nucleotide variant.
Coding change: c.762C>T on transcript NM_017514.5 (MANE Select); coding-DNA position 762, C replaced by T.
Protein change: p.Gly254=; no amino-acid change (glycine 254 retained).
Molecular consequence: synonymous variant.
Genome position (GRCh38, 1-based): chrX:154,461,266, C>T. VCF-style: chrX-154461266-C-T. GRCh37 (hg19) VCF-style: chrX-153689606-C-T.
Identifiers: ClinVar variation 4983658 (VCV004983658.1).